The following is an entry in ClinVar:

NM_007294.4(BRCA1):c.1054G>T (p.Glu352Ter)

Gene: BRCA1 (BRCA1 DNA repair associated; minus strand). Cytogenetic location: 17q21.31.
Variant type: single nucleotide variant.
Coding change: c.1054G>T on transcript NM_007294.4 (MANE Select); coding-DNA position 1054, G replaced by T.
Protein change: p.Glu352Ter; replaces glutamic acid 352 with a stop codon.
Molecular consequence: nonsense. On other transcripts: intron variant (137).
Genome position (GRCh38, 1-based): chr17:43,094,477, C>A on the plus strand (G>T on the coding strand, the complement: BRCA1 is on the minus strand). VCF-style: chr17-43094477-C-A. GRCh37 (hg19) VCF-style: chr17-41246494-C-A.
Other names: c.787+267G>T (NM_001408404.1, NM_001408472.1, NM_001407990.1 and 19 more transcripts); c.577+267G>T (NM_001408492.1, NM_001408513.1, NM_001408489.1 and 9 more transcripts); c.643+267G>T (NM_001408468.1, NM_001408465.1, NM_001408463.1 and 3 more transcripts); c.523+267G>T (NM_001408501.1, NM_001408500.1, NM_001408497.1 and 3 more transcripts); c.646+267G>T (NM_001408455.1, NM_001408466.1, NM_001408452.1 and 11 more transcripts); c.520+267G>T (NM_001408503.1, NM_001408505.1, NM_001408504.1); c.404-3445G>T (NM_001408511.1); c.460+1369G>T (NM_001408507.1, NM_001408506.1); and 40 more; short protein forms E352*, E305*, E184*, E263*, E264*, E304*, E325*, E56*.
Identifiers: ClinVar variation 54108 (VCV000054108.27), dbSNP rs80357472, ClinGen allele CA000702.

ClinVar aggregate classification (germline): Pathogenic. Review status: reviewed by expert panel (3 of 4 stars). 10 submissions from 10 submitters: Pathogenic (1). 9 of the submissions do not count toward it. Last evaluated 2016-09-08.

Conditions:
Hereditary cancer-predisposing syndrome. Also called: Tumor predisposition; Neoplastic Syndromes, Hereditary; Hereditary Cancer Syndrome; Hereditary neoplastic syndrome. Identifiers: Orphanet 140162, MedGen C0027672, MeSH D009386, MONDO:0015356.
Hereditary breast ovarian cancer syndrome. Also called: Hereditary breast and ovarian cancer syndrome (HBOC); Hereditary breast and ovarian cancer syndrome; Hereditary breast and ovarian cancer; Hereditary breast and/or ovarian cancer syndrome; Breast and ovarian cancer; BRCA1- and BRCA2-Associated Hereditary Breast and Ovarian Cancer. Identifiers: Orphanet 145, MedGen C0677776, MeSH D061325, MONDO:0003582. Disease mechanism: loss of function.
Breast-ovarian cancer, familial, susceptibility to, 1 (BROVCA1). Also called: OVARIAN CANCER, SUSCEPTIBILITY TO; BRCA1 Hereditary Breast and Ovarian Cancer. Identifiers: Orphanet 145, MedGen C2676676, MONDO:0011450, OMIM 604370. Disease mechanism: loss of function.

Allele frequency attached by ClinVar (database versions not stated): gnomAD exomes below 0.00001 and 0.00001; ExAC 0.00002.
gnomAD v4.1: 1 of 1,614,032 alleles (0.000062%); highest among the groups gnomAD compares: Non-Finnish European, 0.000085%; no homozygotes.

Submissions (10):

Evidence-based Network for the Interpretation of Germline Mutant Alleles (ENIGMA)
Classification: Pathogenic for Breast-ovarian cancer, familial, susceptibility to, 1. Last evaluated: 2016-09-08. Review status: reviewed by expert panel. Criteria: ENIGMA BRCA1/2 Classification Criteria (2015). Collection method: curation. Allele origin: germline.
Comment: Variant allele predicted to encode a truncated non-functional protein.

Labcorp Genetics (formerly Invitae), Labcorp
Classification: Pathogenic for Hereditary breast ovarian cancer syndrome. Last evaluated: 2025-09-20. Review status: criteria provided, single submitter. Criteria: Invitae Variant Classification Sherloc (09022015). Collection method: clinical testing. Allele origin: germline. Not counted in ClinVar's aggregate classification.
Comment: This sequence change creates a premature translational stop signal (p.Glu352*) in the BRCA1 gene. It is expected to result in an absent or disrupted protein product. Loss-of-function variants in BRCA1 are known to be pathogenic (PMID: 20104584). This variant is present in population databases (rs80357472, gnomAD 0.007%). This premature translational stop signal has been observed in individual(s) with a personal and/or family history of breast or ovarian cancer (PMID: 11595708, 18627636, 25884701, 28831036). ClinVar contains an entry for this variant (Variation ID: 54108). For these reasons, this variant has been classified as Pathogenic.

Ambry Genetics
Classification: Pathogenic for Hereditary cancer-predisposing syndrome. Last evaluated: 2024-06-13. Review status: criteria provided, single submitter. Criteria: Ambry Variant Classification Scheme 2023. Collection method: clinical testing. Allele origin: germline. Not counted in ClinVar's aggregate classification.
Comment: The p.E352* pathogenic mutation (also known as c.1054G>T), located in coding exon 9 of the BRCA1 gene, results from a G to T substitution at nucleotide position 1054. This changes the amino acid from a glutamic acid to a stop codon within coding exon 9. This mutation has been reported in multiple individuals with personal and/or family history consistent with hereditary breast and ovarian cancer syndrome, specifically from Indian, Japanese, and French Canadian cohorts (Sekine M et al. Clin. Cancer Res. 2001 Oct;7:3144-50; Thirthagiri E et al. Breast Cancer Res. 2008 Jul;10:R59; Belanger MH et al. J Ovarian Res 2015 Mar;8:1; Maxwell KN et al. Nat Commun, 2017 08;8:319; Arai M et al. J. Hum. Genet., 2018 Apr;63:447-457; Rebbeck TR et al. Hum. Mutat., 2018 May;39:593-620). Of note, this alteration is also designated as 1173G>T in published literature. In addition to the clinical data presented in the literature, this alteration is expected to result in loss of function by premature protein truncation or nonsense-mediated mRNA decay. As such, this alteration is interpreted as a disease-causing mutation.

Color Diagnostics, LLC DBA Color Health
Classification: Pathogenic for Hereditary cancer-predisposing syndrome. Last evaluated: 2023-10-04. Review status: criteria provided, single submitter. Criteria: ACMG Guidelines, 2015. Collection method: clinical testing. Allele origin: germline. Not counted in ClinVar's aggregate classification.
Comment: This variant changes 1 nucleotide in exon 10 of the BRCA1, creating a translational termination signal. This variant is expected to cause an absent or non-functional protein product. This variant has been reported in multiple individuals and families affected with breast and/or ovarian cancer (PMID: 11595708, 16905680, 18627636, 24249303, 25884701, 28294317, 28831036, 29176636, 29446198). This variant has been identified in 2/251202 chromosomes in the general population by the Genome Aggregation Database (gnomAD). Loss of BRCA1 function is a known mechanism of disease. Based on the available evidence, this variant is classified as Pathogenic.

Human Genetics Bochum, Ruhr University Bochum
Classification: Pathogenic for Breast-ovarian cancer, familial, susceptibility to, 1. Last evaluated: 2023-07-04. Review status: criteria provided, single submitter. Criteria: ACMG Guidelines, 2015. Collection method: clinical testing. Allele origin: germline. Affected: yes. Not counted in ClinVar's aggregate classification.
Comment: ACMG criteria used to clasify this variant:PVS1, PS4_MOD, PM2_SUP

GeneDx
Classification: Pathogenic. Last evaluated: 2018-12-28. Review status: criteria provided, single submitter. Criteria: GeneDx Variant Classification (06012015). Collection method: clinical testing. Allele origin: germline. Affected: yes. Not counted in ClinVar's aggregate classification.
Comment: This pathogenic variant is denoted BRCA1 c.1054G>T at the cDNA level and p.Glu352Ter (E352X) at the protein level. The substitution creates a nonsense variant, which changes a Glutamic Acid to a premature stop codon (GAA>TAA), and is predicted to cause loss of normal protein function through either protein truncation or nonsense-mediated mRNA decay. This variant, previously reported as BRCA1 1173G>T using alternate nomenclature, has been reported in at least four individuals with a personal and/or family history of breast and/or ovarian cancer (Sekine 2001, Simard 2007, Thirthagiri 2008, Belanger 2015) and is considered pathogenic.

Women's Health and Genetics/Laboratory Corporation of America, LabCorp
Classification: Pathogenic for Hereditary breast and ovarian cancer syndrome. Last evaluated: 2018-10-19. Review status: criteria provided, single submitter. Criteria: LabCorp Variant Classification Summary - May 2015. Collection method: clinical testing. Allele origin: germline. Not counted in ClinVar's aggregate classification.
Comment: Variant summary: BRCA1 c.1054G>T (p.Glu352X) results in a premature termination codon, predicted to cause a truncation of the encoded protein or absence of the protein due to nonsense mediated decay, which are commonly known mechanisms for disease. The variant was absent in 131808 control chromosomes (gnomAD). c.1054G>T has been reported in the literature in multiple individuals affected with Hereditary Breast and Ovarian Cancer (Nakamura_2013, Thirthagiri_2008, Simard_2007, Sekine_2001, Lang_2017, Maxwell_2017). These data indicate that the variant is very likely to be associated with disease. To our knowledge, no experimental evidence demonstrating an impact on protein function has been reported. Four ClinVar submissions from clinical diagnostic laboratories (evaluation after 2014) cite the variant as pathogenic. Based on the evidence outlined above, the variant was classified as pathogenic.

Quest Diagnostics Nichols Institute San Juan Capistrano
Classification: Pathogenic. Last evaluated: 2017-03-25. Review status: criteria provided, single submitter. Criteria: Quest Diagnostics criteria. Collection method: clinical testing. Allele origin: germline. Not counted in ClinVar's aggregate classification.

Consortium of Investigators of Modifiers of BRCA1/2 (CIMBA), c/o University of Cambridge
Classification: Pathogenic for Breast-ovarian cancer, familial, susceptibility to, 1. Last evaluated: 2015-10-02. Review status: criteria provided, single submitter. Criteria: CIMBA Mutation Classification guidelines May 2016. Collection method: clinical testing. Allele origin: germline. Not counted in ClinVar's aggregate classification.

Breast Cancer Information Core (BIC) (BRCA1)
Classification: Pathogenic for Breast-ovarian cancer, familial 1. Last evaluated: 2002-05-29. Review status: no assertion criteria provided. Collection method: clinical testing. Allele origin: germline. Affected: yes. Observed: 5 variant alleles. Not counted in ClinVar's aggregate classification.

Literature cited by the submitters: PubMed 20104584 (cited by Labcorp Genetics (formerly Invitae), Labcorp); PubMed 11595708 (cited by 4 submitters); PubMed 18627636 (cited by 5 submitters); PubMed 25884701 (cited by 4 submitters); PubMed 28831036 (cited by 3 submitters); PubMed 25525159 (cited by Ambry Genetics); PubMed 28591191 (cited by Ambry Genetics); PubMed 29176636 (cited by Ambry Genetics and Color Diagnostics, LLC DBA Color Health); PubMed 29337092 (cited by Ambry Genetics); PubMed 29446198 (cited by Ambry Genetics and Color Diagnostics, LLC DBA Color Health); PubMed 16905680 (cited by 3 submitters); PubMed 24249303 (cited by 3 submitters); PubMed 28294317 (cited by Color Diagnostics, LLC DBA Color Health and Women's Health and Genetics/Laboratory Corporation of America, LabCorp).